The following is an entry in ClinVar:

NM_001130004.2(ACTN1):c.2447G>A (p.Arg816His)

Gene: ACTN1 (actinin alpha 1; minus strand). Cytogenetic location: 14q24.1.
Variant type: single nucleotide variant.
Coding change: c.2447G>A on transcript NM_001130004.2 (MANE Select); coding-DNA position 2447, G replaced by A.
Protein change: p.Arg816His; replaces arginine 816 with histidine.
Molecular consequence: missense variant.
Genome position (GRCh38, 1-based): chr14:68,877,221, C>T on the plus strand (G>A on the coding strand, the complement: ACTN1 is on the minus strand). VCF-style: chr14-68877221-C-T. GRCh37 (hg19) VCF-style: chr14-69343938-C-T.
Other names: c.2381G>A, p.Arg794His (NM_001102.4, NM_001424012.1); c.2366G>A, p.Arg789His (NM_001130005.2, NM_001424014.1); c.2390G>A, p.Arg797His (NM_001411035.1); c.2186G>A, p.Arg729His (NM_001411036.1, NM_001424026.1); c.2507G>A, p.Arg836His (NM_001424013.1); c.2468G>A, p.Arg823His (NM_001424015.1); c.2405G>A, p.Arg802His (NM_001424016.1); c.2378G>A, p.Arg793His (NM_001424017.1); and 11 more; short protein forms R519H, R729H, R755H, R767H, R793H, R794H, R802H, R836H.
Identifiers: ClinVar variation 3716867 (VCV003716867.2).

ClinVar aggregate classification (germline): Uncertain significance (1 of 4 stars; one submission).

gnomAD v4.1: 16 of 1,613,992 alleles (0.00099%); highest among the groups gnomAD compares: East Asian, 0.0067%; no homozygotes.

Submission:

Labcorp Genetics (formerly Invitae), Labcorp
Classification: Uncertain significance. Last evaluated: 2024-05-11. Review status: criteria provided, single submitter. Criteria: Invitae Variant Classification Sherloc (09022015). Collection method: clinical testing. Allele origin: germline.
Comment: This sequence change replaces arginine, which is basic and polar, with histidine, which is basic and polar, at codon 816 of the ACTN1 protein (p.Arg816His). The frequency data for this variant in the population databases is considered unreliable, as metrics indicate poor data quality at this position in the gnomAD database. This variant has not been reported in the literature in individuals affected with ACTN1-related conditions. An algorithm developed to predict the effect of missense changes on protein structure and function (PolyPhen-2) suggests that this variant is likely to be disruptive. In summary, the available evidence is currently insufficient to determine the role of this variant in disease. Therefore, it has been classified as a Variant of Uncertain Significance.